The following is an entry in ClinVar:

ClinVar aggregate classification (germline): Uncertain significance (1 of 4 stars; one submission).

Conditions:
Alpha thalassemia-X-linked intellectual disability syndrome (ATRX). Also called: ALPHA-THALASSEMIA/MENTAL RETARDATION SYNDROME, X-LINKED; ATR, NONDELETION TYPE; ATR-X syndrome; Alpha thalassemia mental retardation syndrome, nondeletion type, X-linked; XLMR hypotonic face syndrome; X-linked alpha-thalassemia-mental retardation syndrome. Identifiers: Orphanet 847, MedGen C1845055, MONDO:0010519, OMIM 301040.

Submission:

Labcorp Genetics (formerly Invitae), Labcorp
Classification: Uncertain significance for Alpha thalassemia-X-linked intellectual disability syndrome. Last evaluated: 2025-06-18. Review status: criteria provided, single submitter. Criteria: Invitae Variant Classification Sherloc (09022015). Collection method: clinical testing. Allele origin: germline.
Comment: This sequence change replaces lysine, which is basic and polar, with glutamine, which is neutral and polar, at codon 1616 of the ATRX protein (p.Lys1616Gln). This variant is not present in population databases (gnomAD no frequency). This variant has not been reported in the literature in individuals affected with ATRX-related conditions. Invitae Evidence Modeling of protein sequence and biophysical properties (such as structural, functional, and spatial information, amino acid conservation, physicochemical variation, residue mobility, and thermodynamic stability) indicates that this missense variant is not expected to disrupt ATRX protein function with a negative predictive value of 95%. In summary, the available evidence is currently insufficient to determine the role of this variant in disease. Therefore, it has been classified as a Variant of Uncertain Significance.

NM_000489.6(ATRX):c.4846A>C (p.Lys1616Gln)

Gene: ATRX (ATRX chromatin remodeler; minus strand). Cytogenetic location: Xq21.1.
Variant type: single nucleotide variant.
Coding change: c.4846A>C on transcript NM_000489.6 (MANE Select); coding-DNA position 4846, A replaced by C.
Protein change: p.Lys1616Gln; replaces lysine 1616 with glutamine.
Molecular consequence: missense variant.
Genome position (GRCh38, 1-based): chrX:77,633,676, T>G on the plus strand (A>C on the coding strand, the complement: ATRX is on the minus strand). VCF-style: chrX-77633676-T-G. GRCh37 (hg19) VCF-style: chrX-76889164-T-G.
Other names: c.4732A>C, p.Lys1578Gln (NM_138270.5); short protein forms K1578Q, K1616Q.
Identifiers: ClinVar variation 4801101 (VCV004801101.1).